The following is an entry in ClinVar:

ClinVar aggregate classification (germline): Uncertain significance. Review status: criteria provided, multiple submitters, no conflicts (2 of 4 stars). 2 submissions from 2 submitters: Uncertain significance (2). Last evaluated 2025-05-04.

gnomAD v4.1: 1 of 1,605,678 alleles (0.000062%); highest among the groups gnomAD compares: Non-Finnish European, 0.000085%; no homozygotes.

Submissions (2):

Ambry Genetics
Classification: Uncertain significance. Last evaluated: 2025-05-04. Review status: criteria provided, single submitter. Criteria: Ambry Variant Classification Scheme 2023. Collection method: clinical testing. Allele origin: germline.
Comment: The p.R225S variant (also known as c.673C>A), located in coding exon 5 of the RNF43 gene, results from a C to A substitution at nucleotide position 673. The arginine at codon 225 is replaced by serine, an amino acid with dissimilar properties. This amino acid position is conserved. In addition, this alteration is predicted to be tolerated by in silico analysis. Based on the available evidence, the clinical significance of this variant remains unclear.

Labcorp Genetics (formerly Invitae), Labcorp
Classification: Uncertain significance. Last evaluated: 2022-05-18. Review status: criteria provided, single submitter. Criteria: Invitae Variant Classification Sherloc (09022015). Collection method: clinical testing. Allele origin: germline.
Comment: In summary, the available evidence is currently insufficient to determine the role of this variant in disease. Therefore, it has been classified as a Variant of Uncertain Significance. Algorithms developed to predict the effect of missense changes on protein structure and function (SIFT, PolyPhen-2, Align-GVGD) all suggest that this variant is likely to be tolerated. This variant has not been reported in the literature in individuals affected with RNF43-related conditions. This variant is not present in population databases (gnomAD no frequency). This sequence change replaces arginine, which is basic and polar, with serine, which is neutral and polar, at codon 225 of the RNF43 protein (p.Arg225Ser).

NM_017763.6(RNF43):c.673C>A (p.Arg225Ser)

Gene: RNF43 (ring finger protein 43; minus strand). Cytogenetic location: 17q22.
Variant type: single nucleotide variant.
Coding change: c.673C>A on transcript NM_017763.6 (MANE Select); coding-DNA position 673, C replaced by A.
Protein change: p.Arg225Ser; replaces arginine 225 with serine.
Molecular consequence: missense variant.
Genome position (GRCh38, 1-based): chr17:58,362,558, G>T on the plus strand (C>A on the coding strand, the complement: RNF43 is on the minus strand). VCF-style: chr17-58362558-G-T. GRCh37 (hg19) VCF-style: chr17-56439919-G-T.
Other names: c.673C>A, p.Arg225Ser (NM_001305544.3); c.292C>A, p.Arg98Ser (NM_001305545.2); short protein forms R225S, R98S.
Identifiers: ClinVar variation 1996225 (VCV001996225.5), dbSNP rs765548407, ClinGen allele CA400336109.